The following is an entry in ClinVar:

ClinVar aggregate classification (germline): Pathogenic/Likely pathogenic. Review status: criteria provided, multiple submitters, no conflicts (2 of 4 stars). 4 submissions from 4 submitters: Pathogenic (3); Likely pathogenic (1). Last evaluated 2024-04-12.

Conditions:
Familial cancer of breast. Also called: BREAST CANCER, FAMILIAL; hereditary breast carcinoma; Hereditary breast cancer. Identifiers: Orphanet 227535, MedGen C0346153, MONDO:0016419, OMIM 114480. Disease mechanism: loss of function.
Hereditary cancer-predisposing syndrome. Also called: Neoplastic Syndromes, Hereditary; Tumor predisposition; Hereditary Cancer Syndrome; Hereditary neoplastic syndrome. Identifiers: Orphanet 140162, MedGen C0027672, MeSH D009386, MONDO:0015356.

Submissions (4):

Myriad Genetics, Inc.
Classification: Pathogenic for Familial cancer of breast. Last evaluated: 2024-04-12. Review status: criteria provided, single submitter. Criteria: Myriad Autosomal Dominant, Autosomal Recessive and X-Linked Classification Criteria (2023). Collection method: clinical testing. Allele origin: unknown.
Comment: This variant is considered pathogenic. This variant creates a frameshift predicted to result in premature protein truncation.

Labcorp Genetics (formerly Invitae), Labcorp
Classification: Pathogenic for Familial cancer of breast. Last evaluated: 2023-12-10. Review status: criteria provided, single submitter. Criteria: Invitae Variant Classification Sherloc (09022015). Collection method: clinical testing. Allele origin: germline.
Comment: This sequence change creates a premature translational stop signal (p.Thr1133Glnfs*27) in the PALB2 gene. While this is not anticipated to result in nonsense mediated decay, it is expected to disrupt the last 54 amino acid(s) of the PALB2 protein. This variant is not present in population databases (gnomAD no frequency). This variant has not been reported in the literature in individuals affected with PALB2-related conditions. ClinVar contains an entry for this variant (Variation ID: 233570). This variant disrupts a region of the PALB2 protein in which other variant(s) (p.Tyr1183*) have been determined to be pathogenic (PMID: 17200668, 17200671, 21365267, 22241545, 26315354). This suggests that this is a clinically significant region of the protein, and that variants that disrupt it are likely to be disease-causing. For these reasons, this variant has been classified as Pathogenic.

Ambry Genetics
Classification: Pathogenic for Hereditary cancer-predisposing syndrome. Last evaluated: 2023-10-03. Review status: criteria provided, single submitter. Criteria: Ambry Variant Classification Scheme 2023. Collection method: clinical testing. Allele origin: germline.
Comment: The c.3396_3405del10 pathogenic mutation, located in coding exon 13 of the PALB2 gene, results from a deletion of 10 nucleotides at nucleotide positions 3396 to 3405, causing a translational frameshift with a predicted alternate stop codon (p.T1133Qfs*27). This alteration is expected to result in loss of function by premature protein truncation or nonsense-mediated mRNA decay. As such, this alteration is interpreted as a disease-causing mutation.

Quest Diagnostics Nichols Institute San Juan Capistrano
Classification: Likely pathogenic. Last evaluated: 2023-09-20. Review status: criteria provided, single submitter. Criteria: Quest Diagnostics criteria. Collection method: clinical testing. Allele origin: unknown.
Comment: The PALB2 c.3396_3405del (p.Thr1133Glnfs*27) variant alters the translational reading frame of the PALB2 mRNA and is predicted to cause the premature termination of PALB2 protein synthesis. This variant has not been reported in individuals with PALB2-related conditions in the published literature. This variant has not been reported in large, multi-ethnic general populations (Genome Aggregation Database). Based on the available information, this variant is classified as likely pathogenic.

Literature cited by the submitters: PubMed 17200668 (cited by Labcorp Genetics (formerly Invitae), Labcorp); PubMed 17200671 (cited by Labcorp Genetics (formerly Invitae), Labcorp); PubMed 21365267 (cited by Labcorp Genetics (formerly Invitae), Labcorp); PubMed 22241545 (cited by Labcorp Genetics (formerly Invitae), Labcorp); PubMed 26315354 (cited by Labcorp Genetics (formerly Invitae), Labcorp); PubMed 28319063 (cited by Quest Diagnostics Nichols Institute San Juan Capistrano).

NM_024675.4(PALB2):c.3396_3405del (p.Thr1133fs)

Gene: PALB2 (partner and localizer of BRCA2; minus strand). Cytogenetic location: 16p12.2.
Variant type: Deletion.
Coding change: c.3396_3405del on transcript NM_024675.4 (MANE Select); coding-DNA positions 3396 to 3405, 10 bases deleted (GACTTCTGGA; older notation c.3396_3405delGACTTCTGGA).
Protein change: p.Thr1133fs; shifts the reading frame from threonine 1133.
Molecular consequence: frameshift variant.
Genome position (GRCh38, 1-based): chr16:23,603,615-23,603,624, TCCAGAAGTC deleted on the plus strand (GACTTCTGGA on the coding strand, the reverse complement: PALB2 is on the minus strand). VCF-style (leftmost placement, unchanged base first): chr16-23603614-TTCCAGAAGTC-T. GRCh37 (hg19) VCF-style: chr16-23614935-TTCCAGAAGTC-T.
Other names: c.3396_3405del10 (NM_024675.3); c.3396_3405del (NM_024675.3); short protein forms T1133fs.
Identifiers: ClinVar variation 233570 (VCV000233570.17), dbSNP rs876660492, ClinGen allele CA10579916.